The following is an entry in ClinVar:

NM_199242.3(UNC13D):c.544C>T (p.Pro182Ser)

Gene: UNC13D (unc-13 homolog D; minus strand). Cytogenetic location: 17q25.1.
Variant type: single nucleotide variant.
Coding change: c.544C>T on transcript NM_199242.3 (MANE Select); coding-DNA position 544, C replaced by T.
Protein change: p.Pro182Ser; replaces proline 182 with serine.
Molecular consequence: missense variant.
Genome position (GRCh38, 1-based): chr17:75,842,458, G>A on the plus strand (C>T on the coding strand, the complement: UNC13D is on the minus strand). VCF-style: chr17-75842458-G-A. GRCh37 (hg19) VCF-style: chr17-73838539-G-A.
Other names: short protein forms P182S.
Identifiers: ClinVar variation 1059511 (VCV001059511.9), dbSNP rs1567822165, ClinGen allele CA401113804.
Genomic context (GRCh38, chr17:75,842,458, plus strand): 5'-CTGGATAGAGTGGGGGCTGGAGCACGGCCACGTACAGGATGAAGGTCTCGTCCCAGACGG[G>A]GTTGAGTGTCTGGGTGATGACCTGCGTGCGGTGGGTCTCCTCCTCGGGGATGGTGTGCCT-3'
Protein context (NP_954712.1, residues 172-192): RTQVITQTLN[Pro182Ser]VWDETFILEF

ClinVar aggregate classification (germline): Uncertain significance. Review status: criteria provided, multiple submitters, no conflicts (2 of 4 stars). 2 submissions from 2 submitters: Uncertain significance (2). Last evaluated 2025-04-02.

Conditions:
Familial hemophagocytic lymphohistiocytosis 3 (FHL3). Also called: UNC13D-Related Familial Hemophagocytic Lymphohistiocytosis (UNC13D-fHLH). Identifiers: Orphanet 540, MedGen C1837174, MONDO:0012146, OMIM 608898.

Allele frequency attached by ClinVar (database versions not stated): gnomAD exomes 0.00001.
gnomAD v4.1: 8 of 1,613,232 alleles (0.0005%); highest among the groups gnomAD compares: Non-Finnish European, 0.00068%; no homozygotes.

Submissions (2):

Women's Health and Genetics/Laboratory Corporation of America, LabCorp
Classification: Uncertain significance. Last evaluated: 2025-04-02. Review status: criteria provided, single submitter. Criteria: LabCorp Variant Classification Summary - May 2015. Collection method: clinical testing. Allele origin: germline.
Comment: Variant summary: UNC13D c.544C>T (p.Pro182Ser) results in a non-conservative amino acid change in the encoded protein sequence. Five of five in-silico tools predict a damaging effect of the variant on protein function. The variant was absent in 249910 control chromosomes. The available data on variant occurrences in the general population are insufficient to allow any conclusion about variant significance. c.544C>T has been reported in the presumed compound heterozygous state in the literature in at least 1 individual affected with Familial Hemophagocytic Lymphohistiocytosis (example, Manno_2014). These data do not allow any conclusion about variant significance. To our knowledge, no experimental evidence demonstrating an impact on protein function has been reported. The following publication has been ascertained in the context of this evaluation (PMID: 23669735). ClinVar contains an entry for this variant (Variation ID: 1059511). Based on the evidence outlined above, the variant was classified as uncertain significance.

Labcorp Genetics (formerly Invitae), Labcorp
Classification: Uncertain significance for Familial hemophagocytic lymphohistiocytosis 3. Last evaluated: 2024-02-19. Review status: criteria provided, single submitter. Criteria: Invitae Variant Classification Sherloc (09022015). Collection method: clinical testing. Allele origin: germline.
Comment: This sequence change replaces proline, which is neutral and non-polar, with serine, which is neutral and polar, at codon 182 of the UNC13D protein (p.Pro182Ser). This variant is not present in population databases (gnomAD no frequency). This missense change has been observed in individual(s) with clinical features of hemophagocytic lymphohistiocytosis (PMID: 23669735). ClinVar contains an entry for this variant (Variation ID: 1059511). Advanced modeling of protein sequence and biophysical properties (such as structural, functional, and spatial information, amino acid conservation, physicochemical variation, residue mobility, and thermodynamic stability) performed at Invitae indicates that this missense variant is expected to disrupt UNC13D protein function with a positive predictive value of 80%. In summary, the available evidence is currently insufficient to determine the role of this variant in disease. Therefore, it has been classified as a Variant of Uncertain Significance.

Literature cited by the submitters: PubMed 23669735 (cited by Women's Health and Genetics/Laboratory Corporation of America, LabCorp and Labcorp Genetics (formerly Invitae), Labcorp).